The following is an entry in ClinVar:

ClinVar aggregate classification (germline): Likely benign. Review status: criteria provided, multiple submitters, no conflicts (2 of 4 stars). 3 submissions from 3 submitters: Likely benign (3). Last evaluated 2025-01-27.

Conditions:
Inborn genetic diseases. Identifiers: MedGen C0950123, MeSH D030342.
MDH2-related disorder. Also called: MDH2-related condition.

Allele frequency attached by ClinVar (database versions not stated): gnomAD exomes below 0.00001; ExAC 0.00001; gnomAD 0.00004 and 0.00005; TOPMed 0.00005; ESP Exome Variant Server 0.00008.
gnomAD v4.1: 10 of 1,614,126 alleles (0.00062%); highest among the groups gnomAD compares: African/African-American, 0.013%; 1 homozygote.

Submissions (3):

Labcorp Genetics (formerly Invitae), Labcorp
Classification: Likely benign. Last evaluated: 2025-01-27. Review status: criteria provided, single submitter. Criteria: Invitae Variant Classification Sherloc (09022015). Collection method: clinical testing. Allele origin: germline.

PreventionGenetics, part of Exact Sciences
Classification: Likely benign for MDH2-related condition. Last evaluated: 2024-10-29. Review status: criteria provided, single submitter. Criteria: ACMG Guidelines, 2015. Collection method: clinical testing. Allele origin: germline.
Comment: This variant is classified as likely benign based on ACMG/AMP sequence variant interpretation guidelines (Richards et al. 2015 PMID: 25741868, with internal and published modifications).

Ambry Genetics
Classification: Likely benign for Inborn genetic diseases. Last evaluated: 2022-02-15. Review status: criteria provided, single submitter. Criteria: Ambry Variant Classification Scheme 2023. Collection method: clinical testing. Allele origin: germline.

NM_005918.4(MDH2):c.792T>C (p.Asp264=)

Gene: MDH2 (malate dehydrogenase 2; plus strand). Cytogenetic location: 7q11.23.
Variant type: single nucleotide variant.
Coding change: c.792T>C on transcript NM_005918.4 (MANE Select); coding-DNA position 792, T replaced by C.
Protein change: p.Asp264=; no amino-acid change (aspartic acid 264 retained).
Molecular consequence: synonymous variant.
Genome position (GRCh38, 1-based): chr7:76,064,860, T>C. VCF-style: chr7-76064860-T-C. GRCh37 (hg19) VCF-style: chr7-75694178-T-C.
Other names: c.666T>C, p.Asp222= (NM_001282403.2); c.471T>C, p.Asp157= (NM_001282404.2); c.792T>C (NM_005918.3).
Identifiers: ClinVar variation 1578562 (VCV001578562.12), dbSNP rs371815614, ClinGen allele CA4305713.